The following is an entry in ClinVar:

ClinVar aggregate classification (germline): Uncertain significance (1 of 4 stars; one submission).

gnomAD v4.1: 1 of 1,612,734 alleles (0.000062%); highest among the groups gnomAD compares: Non-Finnish European, 0.000085%; no homozygotes.

Submission:

CeGaT Center for Human Genetics Tuebingen
Classification: Uncertain significance. Last evaluated: 2024-12-01. Review status: criteria provided, single submitter. Criteria: CeGaT Center For Human Genetics Tuebingen Variant Classification Criteria Version 2. Collection method: clinical testing. Allele origin: germline. Affected: yes. Observed: 1 variant allele.
Comment: MYO5B: PM2

NM_001080467.3(MYO5B):c.857T>C (p.Phe286Ser)

Gene: MYO5B (myosin VB; minus strand). Cytogenetic location: 18q21.1.
Variant type: single nucleotide variant.
Coding change: c.857T>C on transcript NM_001080467.3 (MANE Select); coding-DNA position 857, T replaced by C.
Protein change: p.Phe286Ser; replaces phenylalanine 286 with serine.
Molecular consequence: missense variant.
Genome position (GRCh38, 1-based): chr18:49,984,807, A>G on the plus strand (T>C on the coding strand, the complement: MYO5B is on the minus strand). VCF-style: chr18-49984807-A-G. GRCh37 (hg19) VCF-style: chr18-47511177-A-G.
Other names: short protein forms F286S.
Identifiers: ClinVar variation 3771505 (VCV003771505.13).